The following is an entry in ClinVar:

ClinVar aggregate classification (germline): Likely benign. Review status: criteria provided, multiple submitters, no conflicts (2 of 4 stars). 4 submissions from 4 submitters: Likely benign (4). Last evaluated 2026-06-17.

Conditions:
Amyotrophic lateral sclerosis type 10 (ALS10). Also called: TARDBP-Related Amyotrophic Lateral Sclerosis-Frontotemporal Dementia; Amyotrophic lateral sclerosis 10, with or without FTD; AMYOTROPHIC LATERAL SCLEROSIS 10 WITHOUT FRONTOTEMPORAL DEMENTIA AND WITH TDP43 INCLUSIONS; AMYOTROPHIC LATERAL SCLEROSIS 10 WITH OR WITHOUT FRONTOTEMPORAL DEMENTIA AND WITH TDP43 INCLUSIONS; AMYOTROPHIC LATERAL SCLEROSIS 10 WITH OR WITHOUT FRONTOTEMPORAL DEMENTIA. Identifiers: Orphanet 275872, Orphanet 803, MedGen C2677565, MONDO:0012790, OMIM 612069.
FRONTOTEMPORAL LOBAR DEGENERATION WITH TDP43 INCLUSIONS, TARDBP-RELATED. Also called: Frontotemporal lobar degeneration, TARDBP-related. Identifiers: MedGen C3150169, OMIM 612069.
TARDBP-related disorder. Also called: TARDBP-related condition.
Inborn genetic diseases. Identifiers: MedGen C0950123, MeSH D030342.

Allele frequency attached by ClinVar (database versions not stated): ExAC 0.00001; gnomAD exomes 0.00002; gnomAD 0.00004 and 0.00005; TOPMed 0.00010; 1000 Genomes Project 30x 0.00031; 1000 Genomes Project 0.00040.

Submissions (4):

PreventionGenetics, part of Exact Sciences
Classification: Likely benign for TARDBP-related condition. Last evaluated: 2026-06-17. Review status: criteria provided, single submitter. Criteria: ACMG Guidelines, 2015. Collection method: clinical testing. Allele origin: germline.
Comment: This variant is classified as likely benign based on ACMG/AMP sequence variant interpretation guidelines (Richards et al. 2015 PMID: 25741868, with internal and published modifications).

Women's Health and Genetics/Laboratory Corporation of America, LabCorp
Classification: Likely benign. Last evaluated: 2026-03-03. Review status: criteria provided, single submitter. Criteria: LabCorp Variant Classification Summary - May 2015. Collection method: clinical testing. Allele origin: germline.

Labcorp Genetics (formerly Invitae), Labcorp
Classification: Likely benign for Amyotrophic lateral sclerosis type 10; FRONTOTEMPORAL LOBAR DEGENERATION WITH TDP43 INCLUSIONS, TARDBP-RELATED. Last evaluated: 2025-08-20. Review status: criteria provided, single submitter. Criteria: Invitae Variant Classification Sherloc (09022015). Collection method: clinical testing. Allele origin: germline.

Ambry Genetics
Classification: Likely benign for Inborn genetic diseases. Last evaluated: 2022-06-02. Review status: criteria provided, single submitter. Criteria: Ambry Variant Classification Scheme 2023. Collection method: clinical testing. Allele origin: germline.

NM_007375.4(TARDBP):c.330T>G (p.Gly110=)

Gene: TARDBP (TAR DNA binding protein; plus strand). Cytogenetic location: 1p36.22.
Variant type: single nucleotide variant.
Coding change: c.330T>G on transcript NM_007375.4 (MANE Select); coding-DNA position 330, T replaced by G.
Protein change: p.Gly110=; no amino-acid change (glycine 110 retained).
Molecular consequence: synonymous variant.
Genome position (GRCh38, 1-based): chr1:11,016,935, T>G. VCF-style: chr1-11016935-T-G. GRCh37 (hg19) VCF-style: chr1-11076992-T-G.
Identifiers: ClinVar variation 1594865 (VCV001594865.12), dbSNP rs199804130, ClinGen allele CA586351.